The following is an entry in ClinVar:

NM_152722.5(HEPACAM):c.580C>T (p.Leu194Phe)

Gene: HEPACAM (hepatic and glial cell adhesion molecule; minus strand). Cytogenetic location: 11q24.2.
Variant type: single nucleotide variant.
Coding change: c.580C>T on transcript NM_152722.5 (MANE Select); coding-DNA position 580, C replaced by T.
Protein change: p.Leu194Phe; replaces leucine 194 with phenylalanine.
Molecular consequence: missense variant.
Genome position (GRCh38, 1-based): chr11:124,923,858, G>A on the plus strand (C>T on the coding strand, the complement: HEPACAM is on the minus strand). VCF-style: chr11-124923858-G-A. GRCh37 (hg19) VCF-style: chr11-124793754-G-A.
Other names: c.580C>T (NM_152722.4); short protein forms L194F.
Identifiers: ClinVar variation 1478577 (VCV001478577.11), dbSNP rs1357597070, ClinGen allele CA383140967.

ClinVar aggregate classification (germline): Uncertain significance. Review status: criteria provided, multiple submitters, no conflicts (2 of 4 stars). 2 submissions from 2 submitters: Uncertain significance (2). Last evaluated 2025-10-22.

Conditions:
Inborn genetic diseases. Identifiers: MedGen C0950123, MeSH D030342.

Allele frequency attached by ClinVar (database versions not stated): gnomAD 0.00001; gnomAD exomes 0.00001 and 0.00002; TOPMed 0.00001.
gnomAD v4.1: 11 of 1,614,034 alleles (0.00068%); highest among the groups gnomAD compares: Non-Finnish European, 0.00093%; no homozygotes.

Submissions (2):

Ambry Genetics
Classification: Uncertain significance for Inborn genetic diseases. Last evaluated: 2025-10-22. Review status: criteria provided, single submitter. Criteria: Ambry Variant Classification Scheme 2023. Collection method: clinical testing. Allele origin: germline.

Labcorp Genetics (formerly Invitae), Labcorp
Classification: Uncertain significance. Last evaluated: 2022-09-01. Review status: criteria provided, single submitter. Criteria: Invitae Variant Classification Sherloc (09022015). Collection method: clinical testing. Allele origin: germline.
Comment: In summary, the available evidence is currently insufficient to determine the role of this variant in disease. Therefore, it has been classified as a Variant of Uncertain Significance. Algorithms developed to predict the effect of sequence changes on RNA splicing suggest that this variant may create or strengthen a splice site. Algorithms developed to predict the effect of missense changes on protein structure and function are either unavailable or do not agree on the potential impact of this missense change (SIFT: "Tolerated"; PolyPhen-2: "Probably Damaging"; Align-GVGD: "Class C0"). ClinVar contains an entry for this variant (Variation ID: 1478577). This variant has not been reported in the literature in individuals affected with HEPACAM-related conditions. This variant is present in population databases (no rsID available, gnomAD 0.002%). This sequence change replaces leucine, which is neutral and non-polar, with phenylalanine, which is neutral and non-polar, at codon 194 of the HEPACAM protein (p.Leu194Phe).